The following is an entry in ClinVar:

ClinVar aggregate classification (germline): Likely pathogenic. Review status: reviewed by expert panel (3 of 4 stars). 2 submissions from 2 submitters: Likely pathogenic (1). 1 of the submissions does not count toward it. Last evaluated 2026-09-26.

Conditions:
Juvenile retinoschisis (RS1). Also called: X-linked retinoschisis; X-Linked Juvenile Retinoschisis. Identifiers: Orphanet 792, MedGen C3714753, MONDO:0010725, OMIM 312700.

Submissions (2):

ClinGen X-linked Inherited Retinal Disease Variant Curation Expert Panel, ClinGen
Classification: Likely pathogenic for Juvenile retinoschisis. Last evaluated: 2026-09-26. Review status: reviewed by expert panel. Criteria: ClinGen X LinkedIRD ACMG Specifications RS1 V1.0.0. Collection method: curation. Allele origin: germline. Inheritance: X-linked inheritance.
Comment: The NM_000330.4(RS1):c.599G>C (p.Arg200Pro) variant is a missense variant encoding the substitution of Arginine and Proline at amino acid 200. This variant is absent from hemizygous individuals in gnomAD v4.1.0 (PM2_Supporting). The computational predictor REVEL gives a score of 0.974, which is above the ClinGen X-linked IRD VCEP threshold of >0.932 and predicts a damaging effect on RS1 function (PP3_strong). The computational splicing predictor SpliceAI gives a delta score of 0.01 for acceptor gain, which is below the ClinGen X-linked IRD VCEP threshold of >0.2 and does not predict that the variant disrupts RS1 splicing. This variant p.Arg200His, of the RS1 gene, is a missense substitution affecting an established residue involved in cross-linking the adjacent RS1 subunit defined by the ClinGen X-linked IRD VCEP (PMID: 27114531). The combination of PP3_strong and PM1 code at any strength is ineligible, and therefore, the PM1 code was not met. Another missense variant in the same codon, NM_000330.4(RS1):c.599G>A (p.Arg200His), (PMIDs: 30652005, 32300273, 30551202, 22245991, 21701876, 28147405, 10533068, 27114531) has been classified as pathogenic for X-linked retinoschisis by the ClinGen X-linked IRD VCEP, while no benign missense variants have been identified in this codon. The present variant has a higher Grantham’s distance (103) than the comparison variant (29), and SpliceAI has been used to confirm that neither variant has a predicted impact on RS1 splicing (PM5). This variant has been reported in at least 2 probands meeting the PS4 requirement of a male diagnosed with XLRS [PMID: 34865595, and Jun Kong, Wei Sun, Tingyu Yan, Xinxin Zhang, Na Yang, Neil Bressler; Identification of Two Potentially Novel Mutations in X-linked Juvenile Retinoschisis. Invest. Ophthalmol. Vis. Sci. 2017;58(8):4511, PS4_Supporting]. In summary, this variant is classified as likely pathogenic for X-linked retinoschisis based on the ClinGen X-linked Inherited Retinal Disease Expert Panel Specifications to the ACMG/AMP Variant Interpretation Guidelines for RS1 Version 1.0.0: PM2_Supporting, PP3_Strong, PM5, and PS4_Supporting.

Labcorp Genetics (formerly Invitae), Labcorp
Classification: Likely pathogenic. Last evaluated: 2022-08-04. Review status: criteria provided, single submitter. Criteria: Invitae Variant Classification Sherloc (09022015). Collection method: clinical testing. Allele origin: germline. Not counted in ClinVar's aggregate classification.
Comment: Advanced modeling of protein sequence and biophysical properties (such as structural, functional, and spatial information, amino acid conservation, physicochemical variation, residue mobility, and thermodynamic stability) performed at Invitae indicates that this missense variant is expected to disrupt RS1 protein function. In summary, the currently available evidence indicates that the variant is pathogenic, but additional data are needed to prove that conclusively. Therefore, this variant has been classified as Likely Pathogenic. This variant disrupts the p.Arg200 amino acid residue in RS1. Other variant(s) that disrupt this residue have been determined to be pathogenic (PMID: 9618178, 28272453, 30652005). This suggests that this residue is clinically significant, and that variants that disrupt this residue are likely to be disease-causing. This variant has not been reported in the literature in individuals affected with RS1-related conditions. This variant is not present in population databases (gnomAD no frequency). This sequence change replaces arginine, which is basic and polar, with proline, which is neutral and non-polar, at codon 200 of the RS1 protein (p.Arg200Pro).

Literature cited by the submitters: PubMed 9618178 (cited by Labcorp Genetics (formerly Invitae), Labcorp); PubMed 28272453 (cited by Labcorp Genetics (formerly Invitae), Labcorp); PubMed 30652005 (cited by Labcorp Genetics (formerly Invitae), Labcorp).

NM_000330.4(RS1):c.599G>C (p.Arg200Pro)

Genes: CDKL5 (cyclin dependent kinase like 5; plus strand), RS1 (retinoschisin 1; minus strand). Cytogenetic location: Xp22.13.
Variant type: single nucleotide variant.
Coding change: c.599G>C on transcript NM_000330.4 (MANE Select); coding-DNA position 599, G replaced by C.
Protein change: p.Arg200Pro; replaces arginine 200 with proline.
Molecular consequence: missense variant. On other transcripts: intron variant (2).
Genome position (GRCh38, 1-based): chrX:18,642,080, C>G on the plus strand (G>C on the coding strand, the complement: RS1 is on the minus strand). VCF-style: chrX-18642080-C-G. GRCh37 (hg19) VCF-style: chrX-18660200-C-G.
Other names: NM_000330.4(RS1):c.599G>C; p.Arg200Pro; c.2714-3927C>G (NM_003159.3, NM_001037343.2); short protein forms R200P.
Identifiers: ClinVar variation 2009641 (VCV002009641.5), dbSNP rs281865358, ClinGen allele CA412370309.